The following is an entry in ClinVar:

ClinVar aggregate classification (germline): Uncertain significance (1 of 4 stars; one submission).

Conditions:
Long QT syndrome (LQTS). Identifiers: MedGen C0023976, MeSH D008133, MONDO:0002442. Disease mechanism: loss of function. Inheritance: Various modes of inheritance.

gnomAD v4.1: 1 of 1,612,784 alleles (0.000062%); no homozygotes.

Submission:

Labcorp Genetics (formerly Invitae), Labcorp
Classification: Uncertain significance for Long QT syndrome. Last evaluated: 2023-09-10. Review status: criteria provided, single submitter. Criteria: Invitae Variant Classification Sherloc (09022015). Collection method: clinical testing. Allele origin: germline.
Comment: This variant has not been reported in the literature in individuals affected with AKAP9-related conditions. This variant is not present in population databases (gnomAD no frequency). This sequence change replaces serine, which is neutral and polar, with proline, which is neutral and non-polar, at codon 3092 of the AKAP9 protein (p.Ser3092Pro). An algorithm developed to predict the effect of missense changes on protein structure and function (PolyPhen-2) suggests that this variant is likely to be disruptive. In summary, the available evidence is currently insufficient to determine the role of this variant in disease. Therefore, it has been classified as a Variant of Uncertain Significance.

NM_005751.5(AKAP9):c.9274T>C (p.Ser3092Pro)

Gene: AKAP9 (A-kinase anchoring protein 9; plus strand). Cytogenetic location: 7q21.2.
Variant type: single nucleotide variant.
Coding change: c.9274T>C on transcript NM_005751.5 (MANE Select); coding-DNA position 9274, T replaced by C.
Protein change: p.Ser3092Pro; replaces serine 3092 with proline.
Molecular consequence: missense variant.
Genome position (GRCh38, 1-based): chr7:92,089,445, T>C. VCF-style: chr7-92089445-T-C. GRCh37 (hg19) VCF-style: chr7-91718759-T-C.
Other names: c.3919T>C, p.Ser1307Pro (NM_001379277.1); c.9250T>C, p.Ser3084Pro (NM_147185.3); short protein forms S3092P, S3084P, S1307P.
Identifiers: ClinVar variation 2798992 (VCV002798992.3), dbSNP rs759420298, ClinGen allele CA368144605.